The following is an entry in ClinVar:

ClinVar aggregate classification (germline): Uncertain significance (0 of 4 stars; one submission).

Conditions:
POLRMT-related disorder. Also called: POLRMT-related condition.

Submission:

PreventionGenetics, part of Exact Sciences
Classification: Uncertain significance for POLRMT-related condition. Last evaluated: 2024-02-07. Review status: no assertion criteria provided. Collection method: clinical testing. Allele origin: germline.
Comment: The POLRMT c.2323C>A variant is predicted to result in the amino acid substitution p.Leu775Met. To our knowledge, this variant has not been reported in the literature or in a large population database, indicating this variant is rare. At this time, the clinical significance of this variant is uncertain due to the absence of conclusive functional and genetic evidence.

NM_005035.4(POLRMT):c.2323C>A (p.Leu775Met)

Gene: POLRMT (RNA polymerase mitochondrial; minus strand). Cytogenetic location: 19p13.3.
Variant type: single nucleotide variant.
Coding change: c.2323C>A on transcript NM_005035.4 (MANE Select); coding-DNA position 2323, C replaced by A.
Protein change: p.Leu775Met; replaces leucine 775 with methionine.
Molecular consequence: missense variant. On other transcripts: non-coding transcript variant (1).
Genome position (GRCh38, 1-based): chr19:621,375, G>T on the plus strand (C>A on the coding strand, the complement: POLRMT is on the minus strand). VCF-style: chr19-621375-G-T. GRCh37 (hg19) VCF-style: chr19-621375-G-T.
Other names: c.2323C>A, p.Leu775Met (NM_001407805.1, NM_001407808.1, NM_001407812.1 and 4 more transcripts); c.2314C>A, p.Leu772Met (NM_001407806.1, NM_001407809.1); c.2311C>A, p.Leu771Met (NM_001407807.1, NM_001407810.1); c.2281C>A, p.Leu761Met (NM_001407811.1, NM_001407813.1); c.2098C>A, p.Leu700Met (NM_001407830.1, NM_001407832.1); c.1999C>A, p.Leu667Met (NM_001407831.1, NM_001407833.1, NM_001407835.1 and 1 more transcripts); c.1990C>A, p.Leu664Met (NM_001407834.1); short protein forms L664M, L667M, L700M, L761M, L771M, L772M, L775M.
Identifiers: ClinVar variation 3031577 (VCV003031577.2), dbSNP rs1984576953, ClinGen allele CA402899723.